The following is an entry in ClinVar:

ClinVar aggregate classification (germline): Uncertain significance. Review status: criteria provided, multiple submitters, no conflicts (2 of 4 stars). 4 submissions from 4 submitters: Uncertain significance (3). 1 of the submissions does not count toward it. Last evaluated 2023-02-21.

Conditions:
Oocyte maturation defect 2 (OZEMA2). Also called: OOCYTE/ZYGOTE/EMBRYO MATURATION ARREST 2. Identifiers: MedGen C4225210, MONDO:0021573, OMIM 616780.

Allele frequency attached by ClinVar (database versions not stated): ExAC 0.00007.

Submissions (4):

Department of Pathology and Laboratory Medicine, Sinai Health System
Classification: Uncertain significance for Oocyte maturation defect 2. Last evaluated: 2023-02-21. Review status: criteria provided, single submitter. Criteria: ACMG Guidelines, 2015. Collection method: research. Allele origin: germline.

Mendelics
Classification: Uncertain significance. Last evaluated: 2022-05-04. Review status: criteria provided, single submitter. Criteria: Mendelics Assertion Criteria 2019. Collection method: clinical testing. Allele origin: germline.

Juno Genomics, Hangzhou Juno Genomics, Inc
Classification: Uncertain significance for Oocyte maturation defect 2. Review status: criteria provided, single submitter. Criteria: ACMG Guidelines, 2015. Collection method: clinical testing. Allele origin: germline.
Comment: Multiple lines of computational evidence suggest no impact on gene or gene product.;Missense variant in a gene that has a low rate of benign missense variation.;The prevalence of the variant in affected individuals is significantly increased compared to the prevalence in controls.

Center for Reproductive Medicine, Shandong Provincial Hospital Affiliated to Shandong University
Classification: Likely pathogenic for Oocyte maturation defect 2. Last evaluated: 2020-08-31. Review status: no assertion criteria provided. Collection method: case-control. Allele origin: unknown. Affected: yes. Not counted in ClinVar's aggregate classification.

NM_177987.3(TUBB8):c.938C>T (p.Ala313Val)

Gene: TUBB8 (tubulin beta 8 class VIII; minus strand). Cytogenetic location: 10p15.3.
Variant type: single nucleotide variant.
Coding change: c.938C>T on transcript NM_177987.3 (MANE Select); coding-DNA position 938, C replaced by T.
Protein change: p.Ala313Val; replaces alanine 313 with valine.
Molecular consequence: missense variant.
Genome position (GRCh38, 1-based): chr10:47,454, G>A on the plus strand (C>T on the coding strand, the complement: TUBB8 is on the minus strand). VCF-style: chr10-47454-G-A. GRCh37 (hg19) VCF-style: chr10-93394-G-A.
Other names: short protein forms A313V.
Identifiers: ClinVar variation 977674 (VCV000977674.5), dbSNP rs199826048, ClinGen allele CA5378345.